The following is an entry in ClinVar:

ClinVar aggregate classification (germline): Likely benign (1 of 4 stars; one submission).

Allele frequency attached by ClinVar (database versions not stated): TOPMed 0.00001; ExAC 0.00002; gnomAD exomes 0.00002 and 0.00004; ESP Exome Variant Server 0.00008.
gnomAD v4.1: 23 of 1,613,544 alleles (0.0014%); highest among the groups gnomAD compares: Admixed American, 0.0033%; no homozygotes.

Submission:

GeneDx
Classification: Likely benign. Last evaluated: 2018-06-07. Review status: criteria provided, single submitter. Criteria: GeneDx Variant Classification (06012015). Collection method: clinical testing. Allele origin: germline. Affected: yes.
Comment: This variant is considered likely benign or benign based on one or more of the following criteria: it is a conservative change, it occurs at a poorly conserved position in the protein, it is predicted to be benign by multiple in silico algorithms, and/or has population frequency not consistent with disease.

NM_004046.6(ATP5F1A):c.114C>T (p.Ala38=)

Gene: ATP5F1A (ATP synthase F1 subunit alpha; minus strand). Cytogenetic location: 18q21.1.
Variant type: single nucleotide variant.
Coding change: c.114C>T on transcript NM_004046.6 (MANE Select); coding-DNA position 114, C replaced by T.
Protein change: p.Ala38=; no amino-acid change (alanine 38 retained).
Molecular consequence: synonymous variant. On other transcripts: 5 prime UTR variant (2).
Genome position (GRCh38, 1-based): chr18:46,095,078, G>A on the plus strand (C>T on the coding strand, the complement: ATP5F1A is on the minus strand). VCF-style: chr18-46095078-G-A. GRCh37 (hg19) VCF-style: chr18-43675044-G-A.
Other names: c.-110C>T (NM_001001935.3); c.114C>T, p.Ala38= (NM_001001937.2, NM_001257334.2); c.-37C>T (NM_001257335.2).
Identifiers: ClinVar variation 668478 (VCV000668478.1), dbSNP rs138315345, ClinGen allele CA8950924.